The following continues an entry in ClinVar:

NM_000435.3(NOTCH3):c.457C>T (p.Arg153Cys)

Gene: NOTCH3. ClinVar aggregate classification (germline): Pathogenic. Pathogenic (12).

Submissions 10 to 13 of 13:

Dasa
Classification: Pathogenic for Cerebral arteriopathy, autosomal dominant, with subcortical infarcts and leukoencephalopathy, type 1. Last evaluated: 2022-01-05. Review status: criteria provided, single submitter. Criteria: ACMG Guidelines, 2015. Collection method: clinical testing. Allele origin: germline. Affected: yes. Observed: 1 variant allele.
Comment: The c.457C>T;p.(Arg153Cys) missense variant has been observed in affected individual(s) and ClinVar contains an entry for this variant (ClinVar: 208501; PMID: 27206574; 28710804; 31915071; 32457593) - PS4.The variant is located in a mutational hot spot and/or critical and well-established functional domain (EGF) - PM1. This variant is not present in population databases (rs797045014, gnomAD; ABraOM no frequency) - PM2. Missense variant in NOTCH3 that has a low rate of benign missense variation and in which missense variants are a common mechanism of disease - PP2. Multiple lines of computational evidence support a deleterious effect on the gene or gene product - PP3. In summary, the currently available evidence indicates that the variant is pathogenic.

Centre for Mendelian Genomics, University Medical Centre Ljubljana
Classification: Pathogenic for Ischemic stroke; Transient ischemic attack. Last evaluated: 2017-01-01. Review status: criteria provided, single submitter. Criteria: ACMG Guidelines, 2015. Collection method: clinical testing. Allele origin: unknown. Affected: yes.

Juno Genomics, Hangzhou Juno Genomics, Inc
Classification: Pathogenic for Cerebral arteriopathy, autosomal dominant, with subcortical infarcts and leukoencephalopathy, type 1; Lateral meningocele syndrome; Myofibromatosis, infantile, 2. Review status: criteria provided, single submitter. Criteria: ACMG Guidelines, 2015. Collection method: clinical testing. Allele origin: germline. Affected: yes.
Comment: Absent from controls (or at extremely low frequency if recessive) in Genome Aggregation Database, Exome Sequencing Project, 1000 Genomes Project, or Exome Aggregation Consortium.;The prevalence of the variant in affected individuals is significantly increased compared to the prevalence in controls.;Co-segregation with disease in multiple affected family members in a gene definitively known to cause the disease.;Co-segregation with disease in multiple affected family members in a gene definitively known to cause the disease.;Multiple lines of computational evidence support a deleterious effect on the gene or gene product (conservation, evolutionary, splicing impact, etc).

Mendelics
Classification: Pathogenic for Cerebral autosomal dominant arteriopathy with subcortical infarcts and leukoencephalopathy. Last evaluated: 2014-04-22. Review status: no assertion criteria provided. Collection method: clinical testing. Allele origin: unknown. Affected: yes. Not counted in ClinVar's aggregate classification.

Literature cited by the submitters: PubMed 9388399 (cited by 5 submitters); PubMed 10802804 (cited by 3 submitters); PubMed 16193256 (cited by Labcorp Genetics (formerly Invitae), Labcorp and Athena Diagnostics); PubMed 27890607 (cited by 3 submitters); PubMed 20329594 (cited by Women's Health and Genetics/Laboratory Corporation of America, LabCorp); PubMed 22422895 (cited by Women's Health and Genetics/Laboratory Corporation of America, LabCorp); PubMed 34335700 (cited by Athena Diagnostics); PubMed 32277177 (cited by Athena Diagnostics); PubMed 34691145 (cited by Athena Diagnostics); PubMed 31915071 (cited by Athena Diagnostics and Dasa); PubMed 28710804 (cited by Athena Diagnostics and Dasa); PubMed 17729386 (cited by Athena Diagnostics); PubMed 25623805 (cited by Athena Diagnostics); PubMed 26912635 (cited by Athena Diagnostics); PubMed 26308724 (cited by Athena Diagnostics); PubMed 10371548 (cited by Athena Diagnostics); PubMed 10854111 (cited by Athena Diagnostics); PubMed 11102981 (cited by Athena Diagnostics); PubMed 11755616 (cited by Athena Diagnostics); PubMed 15364702 (cited by Athena Diagnostics); PubMed 16009764 (cited by Athena Diagnostics); PubMed 27206574 (cited by Dasa); PubMed 32457593 (cited by Dasa); PubMed 26843489 (cited by Dasa); PubMed 20301673 (cited by Mendelics).